The following is an entry in ClinVar:

ClinVar aggregate classification (germline): Uncertain significance (1 of 4 stars; one submission).

Submission:

Women's Health and Genetics/Laboratory Corporation of America, LabCorp
Classification: Uncertain significance. Last evaluated: 2024-04-08. Review status: criteria provided, single submitter. Criteria: LabCorp Variant Classification Summary - May 2015. Collection method: clinical testing. Allele origin: germline.
Comment: Variant summary: PAH c.964G>T (p.Ala322Ser) results in a conservative amino acid change located in the Aromatic amino acid hydroxylase, C-terminal domain (IPR019774) of the encoded protein sequence. Three of five in-silico tools predict a damaging effect of the variant on protein function. A different variant at the same codon, c.964G>A (p.Ala322Thr) has been classified as pathogenic for a phenotype of Phenylketonuria, suporting the functional relevance of this codon to overall PAH function. The variant was absent in 251230 control chromosomes. To our knowledge, no occurrence of c.964G>T in individuals affected with Phenylalanine Hydroxylase Deficiency (Phenylketonuria) and no experimental evidence demonstrating its impact on protein function have been reported. No submitters have cited clinical-significance assessments for this variant to ClinVar. Based on the evidence outlined above, the variant was classified as VUS-possibly pathogenic.

NM_000277.3(PAH):c.964G>T (p.Ala322Ser)

Gene: PAH (phenylalanine hydroxylase; minus strand). Cytogenetic location: 12q23.2.
Variant type: single nucleotide variant.
Coding change: c.964G>T on transcript NM_000277.3 (MANE Select); coding-DNA position 964, G replaced by T.
Protein change: p.Ala322Ser; replaces alanine 322 with serine.
Molecular consequence: missense variant.
Genome position (GRCh38, 1-based): chr12:102,846,900, C>A on the plus strand (G>T on the coding strand, the complement: PAH is on the minus strand). VCF-style: chr12-102846900-C-A. GRCh37 (hg19) VCF-style: chr12-103240678-C-A.
Other names: c.964G>T, p.Ala322Ser (NM_001354304.2); short protein forms A322S.
Identifiers: ClinVar variation 3251448 (VCV003251448.1), dbSNP rs62514957.